The following is an entry in ClinVar:

NM_000214.3(JAG1):c.3561C>G (p.Asn1187Lys)

Gene: JAG1 (jagged canonical Notch ligand 1; minus strand). Cytogenetic location: 20p12.2.
Variant type: single nucleotide variant.
Coding change: c.3561C>G on transcript NM_000214.3 (MANE Select); coding-DNA position 3561, C replaced by G.
Protein change: p.Asn1187Lys; replaces asparagine 1187 with lysine.
Molecular consequence: missense variant.
Genome position (GRCh38, 1-based): chr20:10,639,594, G>C on the plus strand (C>G on the coding strand, the complement: JAG1 is on the minus strand). VCF-style: chr20-10639594-G-C. GRCh37 (hg19) VCF-style: chr20-10620242-G-C.
Other names: short protein forms N1187K.
Identifiers: ClinVar variation 1421624 (VCV001421624.6), dbSNP rs754010868, ClinGen allele CA408242507.
Genomic context (GRCh38, chr20:10,639,594, plus strand): 5'-ACTTTCCAAGTCTCTGTTGTCCTGTTTGTTTGTCCAGTTTGGGTGTTTTGTCGGCGTGCC[G>C]TTGGGGGGCTTCTCTTCTCTGTCTACCAGCGTGTACGCCGGCTGCTTGGCAAACCGGGCT-3'
Protein context (NP_000205.1, residues 1177-1197): TLVDREEKPP[Asn1187Lys]GTPTKHPNWT

ClinVar aggregate classification (germline): Uncertain significance (1 of 4 stars; one submission).

Conditions:
Alagille syndrome due to a JAG1 point mutation. Also called: Alagille Syndrome 1; JAG1-Related Alagille Syndrome; HEPATIC DUCTULAR HYPOPLASIA, SYNDROMATIC. Identifiers: Orphanet 261619, Orphanet 52, MedGen C1956125, MONDO:0016862, OMIM 118450.

gnomAD v4.1: 1 of 1,614,082 alleles (0.000062%); highest among the groups gnomAD compares: Non-Finnish European, 0.000085%; no homozygotes.

Submission:

Labcorp Genetics (formerly Invitae), Labcorp
Classification: Uncertain significance for Alagille syndrome due to a JAG1 point mutation. Last evaluated: 2022-03-09. Review status: criteria provided, single submitter. Criteria: Invitae Variant Classification Sherloc (09022015). Collection method: clinical testing. Allele origin: germline.
Comment: This variant is not present in population databases (gnomAD no frequency). This variant has not been reported in the literature in individuals affected with JAG1-related conditions. Advanced modeling of protein sequence and biophysical properties (such as structural, functional, and spatial information, amino acid conservation, physicochemical variation, residue mobility, and thermodynamic stability) performed at Invitae indicates that this missense variant is not expected to disrupt JAG1 protein function. In summary, the available evidence is currently insufficient to determine the role of this variant in disease. Therefore, it has been classified as a Variant of Uncertain Significance. This sequence change replaces asparagine, which is neutral and polar, with lysine, which is basic and polar, at codon 1187 of the JAG1 protein (p.Asn1187Lys).